The following is an entry in ClinVar:

ClinVar aggregate classification (germline): Pathogenic (1 of 4 stars; one submission).

Submission:

GeneDx
Classification: Pathogenic. Last evaluated: 2013-12-24. Review status: criteria provided, single submitter. Criteria: GeneDx Variant Classification (06012015). Collection method: clinical testing. Allele origin: germline. Affected: yes.
Comment: The c.1195delG mutation in the ELN gene causes a frameshift starting with codon Valine 399, changes this amino acid to a Leucine residue and creates a premature Stop codon at position 75 of the new reading frame, denoted p.Val399LeufsX75. This mutation is predicted to cause loss of normal protein function either through protein truncation or nonsense-mediated mRNA decay. This mutation has not been previously reported to our knowledge. This variant was found in ELN

NM_000501.4(ELN):c.1195del (p.Val399fs)

Gene: ELN (elastin; plus strand). Cytogenetic location: 7q11.23.
Variant type: Deletion.
Coding change: c.1195del on transcript NM_000501.4 (MANE Select); coding-DNA position 1195, one base deleted (G; older notation c.1195delG).
Protein change: p.Val399fs; shifts the reading frame from valine 399.
Molecular consequence: frameshift variant.
Genome position (GRCh38, 1-based): chr7:74,056,315, G deleted; the last of 4 consecutive G bases (chr7:74,056,312-74,056,315); deleting any one gives the same sequence. VCF-style (leftmost placement, unchanged base first): chr7-74056311-CG-C. GRCh37 (hg19) VCF-style: chr7-73470641-CG-C.
Other names: c.1165del, p.Val389fs (NM_001081752.3, NM_001278917.2); c.1210del, p.Val404fs (NM_001081753.3, NM_001081754.3); c.1195del, p.Val399fs (NM_001081755.3, NM_001278912.2, NM_001278915.2 and 1 more transcripts); c.1087del, p.Val363fs (NM_001278913.2); c.1180del, p.Val394fs (NM_001278914.2); c.1153del, p.Val385fs (NM_001278916.2); c.1063del, p.Val355fs (NM_001278918.2); short protein forms V355fs, V363fs, V394fs, V404fs, V389fs, V385fs, V399fs.
Identifiers: ClinVar variation 213189 (VCV000213189.1), dbSNP rs863223522, ClinGen allele CA324672.
Genomic context (GRCh38, chr7:74,056,311, plus strand): 5'-TGGCTCCCTTCCCTCTGCAGGGGCCAGGCCCGGAGTCGGAGTTGGAGGCATTCCTACTTA[CG>C]GGGTTGGAGCTGGGGGCTTTCCCGGCTTTGGTGTCGGAGTCGGAGGTATCCCTGGAGTCG-3'